The following is an entry in ClinVar:

ClinVar aggregate classification (germline): Uncertain significance (1 of 4 stars; one submission).

Conditions:
Inborn genetic diseases. Identifiers: MedGen C0950123, MeSH D030342.

gnomAD v4.1: 1 of 1,613,266 alleles (0.000062%); highest among the groups gnomAD compares: Non-Finnish European, 0.000085%; no homozygotes.

Submission:

Ambry Genetics
Classification: Uncertain significance for Inborn genetic diseases. Last evaluated: 2025-11-29. Review status: criteria provided, single submitter. Criteria: Ambry Variant Classification Scheme 2023. Collection method: clinical testing. Allele origin: germline.
Comment: The p.I1352T variant (also known as c.4055T>C), located in coding exon 1 of the SAMD9 gene, results from a T to C substitution at nucleotide position 4055. The isoleucine at codon 1352 is replaced by threonine, an amino acid with similar properties. This amino acid position is conserved. In addition, this alteration is predicted to be tolerated by in silico analysis. Based on the available evidence, the clinical significance of this variant remains unclear.

NM_017654.4(SAMD9):c.4055T>C (p.Ile1352Thr)

Gene: SAMD9 (sterile alpha motif domain containing 9; minus strand). Cytogenetic location: 7q21.2.
Variant type: single nucleotide variant.
Coding change: c.4055T>C on transcript NM_017654.4 (MANE Select); coding-DNA position 4055, T replaced by C.
Protein change: p.Ile1352Thr; replaces isoleucine 1352 with threonine.
Molecular consequence: missense variant.
Genome position (GRCh38, 1-based): chr7:93,102,043, A>G on the plus strand (T>C on the coding strand, the complement: SAMD9 is on the minus strand). VCF-style: chr7-93102043-A-G. GRCh37 (hg19) VCF-style: chr7-92731356-A-G.
Other names: c.4055T>C, p.Ile1352Thr (NM_001193307.2); short protein forms I1352T.
Identifiers: ClinVar variation 4629972 (VCV004629972.1).
Genomic context (GRCh38, chr7:93,102,043, plus strand): 5'-AGAAAAGTATATTCGTTCACTATACATTTCATAGTGCTTATAGCATCCTCTTGACTTTTG[A>G]TAAGATATTCCAAGAGCCCAGAAAACTTGTCTGCTTTTAAAGCTACTAGGTTTCTCCTGC-3'
Protein context (NP_060124.2, residues 1342-1362): DKFSGLLEYL[Ile1352Thr]KSQEDAISTM